The following is an entry in ClinVar:

NM_000540.3(RYR1):c.8983A>G (p.Ile2995Val)

Gene: RYR1 (ryanodine receptor 1; plus strand). Cytogenetic location: 19q13.2.
Variant type: single nucleotide variant.
Coding change: c.8983A>G on transcript NM_000540.3 (MANE Select); coding-DNA position 8983, A replaced by G.
Protein change: p.Ile2995Val; replaces isoleucine 2995 with valine.
Molecular consequence: missense variant.
Genome position (GRCh38, 1-based): chr19:38,510,548, A>G. VCF-style: chr19-38510548-A-G. GRCh37 (hg19) VCF-style: chr19-39001188-A-G.
Other names: c.8983A>G, p.Ile2995Val (NM_001042723.2); short protein forms I2995V.
Identifiers: ClinVar variation 3607218 (VCV003607218.2).

ClinVar aggregate classification (germline): Uncertain significance (1 of 4 stars; one submission).

Conditions:
RYR1-related disorder. Also called: RYR1-related condition; RYR1-related disorders. Identifiers: MedGen CN239331.

gnomAD v4.1: 2 of 1,614,044 alleles (0.00012%); highest among the groups gnomAD compares: Non-Finnish European, 0.00017%; no homozygotes.

Submission:

Labcorp Genetics (formerly Invitae), Labcorp
Classification: Uncertain significance for RYR1-related disorder. Last evaluated: 2025-10-02. Review status: criteria provided, single submitter. Criteria: Invitae Variant Classification Sherloc (09022015). Collection method: clinical testing. Allele origin: germline.
Comment: This sequence change replaces isoleucine, which is neutral and non-polar, with valine, which is neutral and non-polar, at codon 2995 of the RYR1 protein (p.Ile2995Val). This variant is not present in population databases (gnomAD no frequency). This variant has not been reported in the literature in individuals affected with RYR1-related conditions. ClinVar contains an entry for this variant (Variation ID: 3607218). Invitae Evidence Modeling of protein sequence and biophysical properties (such as structural, functional, and spatial information, amino acid conservation, physicochemical variation, residue mobility, and thermodynamic stability) indicates that this missense variant is not expected to disrupt RYR1 protein function with a negative predictive value of 80%. In summary, the available evidence is currently insufficient to determine the role of this variant in disease. Therefore, it has been classified as a Variant of Uncertain Significance.